The following is an entry in ClinVar:

NM_004565.3(PEX14):c.230C>T (p.Pro77Leu)

Gene: PEX14 (peroxisomal biogenesis factor 14; plus strand). Cytogenetic location: 1p36.22.
Variant type: single nucleotide variant.
Coding change: c.230C>T on transcript NM_004565.3 (MANE Select); coding-DNA position 230, C replaced by T.
Protein change: p.Pro77Leu; replaces proline 77 with leucine.
Molecular consequence: missense variant.
Genome position (GRCh38, 1-based): chr1:10,599,298, C>T. VCF-style: chr1-10599298-C-T. GRCh37 (hg19) VCF-style: chr1-10659355-C-T.
Other names: c.230C>T (NM_004565.2); short protein forms P77L.
Identifiers: ClinVar variation 4954302 (VCV004954302.2).
Genomic context (GRCh38, chr1:10,599,298, plus strand): 5'-GGCTGACAGATGAAGAGATTGATATGGCCTTCCAGCAGTCGGGCACTGCTGCCGATGAGC[C>T]TTCGTCCTTGGGCCCAGCCACACAGGTGGTTCCTGTCCAGCCCCCTCACCTCATATCTCA-3'
Protein context (NP_004556.1, residues 67-87): FQQSGTAADE[Pro77Leu]SSLGPATQVV

ClinVar aggregate classification (germline): Uncertain significance. Review status: criteria provided, multiple submitters, no conflicts (2 of 4 stars). 2 submissions from 2 submitters: Uncertain significance (2). Last evaluated 2024-12-20.

Conditions:
PEX14-related disorder. Also called: PEX14-related condition.

Submissions (2):

PreventionGenetics, part of Exact Sciences
Classification: Uncertain significance for PEX14-related condition. Last evaluated: 2024-12-20. Review status: criteria provided, single submitter. Criteria: ACMG Guidelines, 2015. Collection method: clinical testing. Allele origin: germline.
Comment: The PEX14 c.230C>T variant is predicted to result in the amino acid substitution p.Pro77Leu. To our knowledge, this variant has not been reported in the literature or in a large population database (gnomAD), indicating this variant is rare. At this time, the clinical significance of this variant is uncertain due to the absence of conclusive functional and genetic evidence.

Blueprint Genetics
Classification: Uncertain significance. Last evaluated: 2023-08-03. Review status: criteria provided, single submitter. Criteria: ACMG Guidelines, 2015. Collection method: clinical testing. Allele origin: germline.